The following is an entry in ClinVar:

ClinVar aggregate classification (germline): Pathogenic/Likely pathogenic. Review status: criteria provided, multiple submitters, no conflicts (2 of 4 stars). 3 submissions from 3 submitters: Pathogenic (2); Likely pathogenic (1). Last evaluated 2025-09-02.

Conditions:
Autosomal recessive Alport syndrome (ATS2). Also called: COL4A4 Alport Syndrome and Thin Basement Membrane Nephropathy; ALPORT SYNDROME 2, AUTOSOMAL RECESSIVE; Alport syndrome type 2; COL4A3-Related Nephropathy. Identifiers: Orphanet 63, Orphanet 88919, MedGen C4746745, MONDO:0008762, OMIM 203780.
Benign familial hematuria. Also called: thin basement membrane disease. Identifiers: MedGen C0241908, MONDO:0957317.

Submissions (3):

Labcorp Genetics (formerly Invitae), Labcorp
Classification: Pathogenic. Last evaluated: 2025-09-02. Review status: criteria provided, single submitter. Criteria: Invitae Variant Classification Sherloc (09022015). Collection method: clinical testing. Allele origin: germline.
Comment: This sequence change creates a premature translational stop signal (p.Gly596Argfs*10) in the COL4A4 gene. It is expected to result in an absent or disrupted protein product. Loss-of-function variants in COL4A4 are known to be pathogenic (PMID: 21196518, 24854265, 25307543). This variant is not present in population databases (gnomAD no frequency). This variant has not been reported in the literature in individuals affected with COL4A4-related conditions. ClinVar contains an entry for this variant (Variation ID: 1179194). For these reasons, this variant has been classified as Pathogenic.

Myriad Genetics, Inc.
Classification: Likely pathogenic for Autosomal recessive Alport syndrome. Last evaluated: 2022-03-15. Review status: criteria provided, single submitter. Criteria: Myriad Women's Health Autosomal Recessive and X-Linked Classification Criteria (2021). Collection method: clinical testing. Allele origin: unknown.
Comment: NM_000092.4(COL4A4):c.1785dupA(G596Rfs*10) is expected to be pathogenic in the context of COL4A4-related Alport syndrome. This variant is predicted to lead to an abnormal or absent protein product due to the creation of a premature termination codon in COL4A4, a gene where loss-of-function variants are known to be pathogenic. Please note: this variant was assessed in the context of healthy population screening.

Fulgent Genetics
Classification: Pathogenic for Hematuria, benign familial, 1; Autosomal recessive Alport syndrome. Last evaluated: 2022-02-01. Review status: criteria provided, single submitter. Criteria: ACMG Guidelines, 2015. Collection method: clinical testing. Allele origin: unknown.

Literature cited by the submitters: PubMed 21196518 (cited by Labcorp Genetics (formerly Invitae), Labcorp); PubMed 24854265 (cited by Labcorp Genetics (formerly Invitae), Labcorp); PubMed 25307543 (cited by Labcorp Genetics (formerly Invitae), Labcorp).

NM_000092.5(COL4A4):c.1785dup (p.Gly596fs)

Gene: COL4A4 (collagen type IV alpha 4 chain; minus strand). Cytogenetic location: 2q36.3.
Variant type: Duplication.
Coding change: c.1785dup on transcript NM_000092.5 (MANE Select); coding-DNA position 1785, one base duplicated (A; older notation c.1785dupA).
Protein change: p.Gly596fs; shifts the reading frame from glycine 596.
Molecular consequence: frameshift variant.
Genome position (GRCh38, 1-based): chr2:227,080,461, T duplicated on the plus strand (A on the coding strand, the reverse complement: COL4A4 is on the minus strand); the first of 5 consecutive T bases (chr2:227,080,461-227,080,465); duplicating any one gives the same sequence. VCF-style (leftmost placement, unchanged base first): chr2-227080460-C-CT. GRCh37 (hg19) VCF-style: chr2-227945176-C-CT.
Other names: short protein forms G596fs.
Identifiers: ClinVar variation 1179194 (VCV001179194.8), dbSNP rs2150505385, ClinGen allele CA2499215700.